The following is an entry in ClinVar:

NM_013427.3(ARHGAP6):c.676C>T (p.Arg226Trp)

Gene: ARHGAP6 (Rho GTPase activating protein 6; minus strand). Cytogenetic location: Xp22.2.
Variant type: single nucleotide variant.
Coding change: c.676C>T on transcript NM_013427.3 (MANE Select); coding-DNA position 676, C replaced by T.
Protein change: p.Arg226Trp; replaces arginine 226 with tryptophan.
Molecular consequence: missense variant. On other transcripts: non-coding transcript variant (1).
Genome position (GRCh38, 1-based): chrX:11,254,620, G>A on the plus strand (C>T on the coding strand, the complement: ARHGAP6 is on the minus strand). VCF-style: chrX-11254620-G-A. GRCh37 (hg19) VCF-style: chrX-11272740-G-A.
Other names: c.136C>T, p.Arg46Trp (NM_001287242.2); c.676C>T, p.Arg226Trp (NM_006125.3); c.67C>T, p.Arg23Trp (NM_013423.3); short protein forms R226W, R23W, R46W.
Identifiers: ClinVar variation 4642510 (VCV004642510.1).
Genomic context (GRCh38, chrX:11,254,620, plus strand): 5'-TGATCTGACAGCTCAGGTCACAGTCCTGTTGCAACTGATAAAAAGCCACTTCCTGCAGCC[G>A]GGCCCTCTCCAGCTCTGAGAGACTCTGGATGGGGACTGACCTCAGCCGTACACTGCGGCC-3'
Protein context (NP_038286.2, residues 216-236): IQSLSELERA[Arg226Trp]LQEVAFYQLQ

ClinVar aggregate classification (germline): Uncertain significance (1 of 4 stars; one submission).

Submission:

Ambry Genetics
Classification: Uncertain significance. Last evaluated: 2025-11-05. Review status: criteria provided, single submitter. Criteria: Ambry Variant Classification Scheme 2023. Collection method: clinical testing. Allele origin: germline.
Comment: The c.676C>T (p.R226W) alteration is located in exon 2 (coding exon 2) of the ARHGAP6 gene. This alteration results from a C to T substitution at nucleotide position 676, causing the arginine (R) at amino acid position 226 to be replaced by a tryptophan (W). Based on data from gnomAD, the T allele has an overall frequency of 0.002% (3/203656) total alleles studied. The highest observed frequency was 0.005% (1/18497) of African alleles. Based on insufficient or conflicting evidence, the clinical significance of this alteration remains unclear.